The following is an entry in ClinVar:

ClinVar aggregate classification (germline): Uncertain significance (1 of 4 stars; one submission).

gnomAD v4.1: 1 of 1,581,306 alleles (0.000063%); highest among the groups gnomAD compares: Non-Finnish European, 0.000087%; no homozygotes.

Submission:

Labcorp Genetics (formerly Invitae), Labcorp
Classification: Uncertain significance. Last evaluated: 2025-03-17. Review status: criteria provided, single submitter. Criteria: Invitae Variant Classification Sherloc (09022015). Collection method: clinical testing. Allele origin: germline.
Comment: This sequence change replaces aspartic acid, which is acidic and polar, with asparagine, which is neutral and polar, at codon 320 of the PDE6A protein (p.Asp320Asn). This variant is present in population databases (no rsID available, gnomAD 0.0009%). This variant has not been reported in the literature in individuals affected with PDE6A-related conditions. ClinVar contains an entry for this variant (Variation ID: 1957568). Invitae Evidence Modeling of protein sequence and biophysical properties (such as structural, functional, and spatial information, amino acid conservation, physicochemical variation, residue mobility, and thermodynamic stability) has been performed for this missense variant. However, the output from this modeling did not meet the statistical confidence thresholds required to predict the impact of this variant on PDE6A protein function. In summary, the available evidence is currently insufficient to determine the role of this variant in disease. Therefore, it has been classified as a Variant of Uncertain Significance.

NM_000440.3(PDE6A):c.958G>A (p.Asp320Asn)

Gene: PDE6A (phosphodiesterase 6A; minus strand). Cytogenetic location: 5q32.
Variant type: single nucleotide variant.
Coding change: c.958G>A on transcript NM_000440.3 (MANE Select); coding-DNA position 958, G replaced by A.
Protein change: p.Asp320Asn; replaces aspartic acid 320 with asparagine.
Molecular consequence: missense variant.
Genome position (GRCh38, 1-based): chr5:149,914,983, C>T on the plus strand (G>A on the coding strand, the complement: PDE6A is on the minus strand). VCF-style: chr5-149914983-C-T. GRCh37 (hg19) VCF-style: chr5-149294546-C-T.
Other names: c.715G>A, p.Asp239Asn (NM_001410788.1); short protein forms D239N, D320N.
Identifiers: ClinVar variation 1957568 (VCV001957568.5), dbSNP rs1480503354, ClinGen allele CA361699222.
Genomic context (GRCh38, chr5:149,914,983, plus strand): 5'-TTTTGACAGGTGAAACTTACGGGATGACTTTGATGTCCTCTTTGCCATGCAGGATGTAGT[C>T]AATGACCTTGTAAAAGTTAATTTCCTGGCAAAAGAGAGAAAAATTATACTTTTTTTTTTT-3'
Protein context (NP_000431.2, residues 310-330): GREINFYKVI[Asp320Asn]YILHGKEDIK